The following is an entry in ClinVar:

NM_003872.3(NRP2):c.2772C>T (p.Ser924=)

Gene: NRP2 (neuropilin 2; plus strand). Cytogenetic location: 2q33.3.
Variant type: single nucleotide variant.
Coding change: c.2772C>T on transcript NM_003872.3 (MANE Select); coding-DNA position 2772, C replaced by T.
Protein change: p.Ser924=; no amino-acid change (serine 924 retained).
Molecular consequence: synonymous variant.
Genome position (GRCh38, 1-based): chr2:205,795,049, C>T. VCF-style: chr2-205795049-C-T. GRCh37 (hg19) VCF-style: chr2-206659773-C-T.
Other names: c.2787C>T, p.Ser929= (NM_201266.2); c.2721C>T, p.Ser907= (NM_201279.2).
Identifiers: ClinVar variation 3033042 (VCV003033042.2), dbSNP rs761175695, ClinGen allele CA2069655.

ClinVar aggregate classification (germline): Likely benign (0 of 4 stars; one submission).

Conditions:
NRP2-related disorder. Also called: NRP2-related condition.

Allele frequency attached by ClinVar (database versions not stated): gnomAD 0.00001; ExAC 0.00004; TOPMed 0.00004.
gnomAD v4.1: 37 of 1,613,788 alleles (0.0023%); highest among the groups gnomAD compares: Admixed American, 0.033%; no homozygotes.

Submission:

PreventionGenetics, part of Exact Sciences
Classification: Likely benign for NRP2-related condition. Last evaluated: 2021-07-13. Review status: no assertion criteria provided. Collection method: clinical testing. Allele origin: germline.
Comment: This variant is classified as likely benign based on ACMG/AMP sequence variant interpretation guidelines (Richards et al. 2015 PMID: 25741868, with internal and published modifications).